The following is an entry in ClinVar:

NM_001161352.2(KCNMA1):c.2323A>C (p.Met775Leu)

Genes: KCNMA1-AS1 (KCNMA1 antisense RNA 1; plus strand), KCNMA1 (potassium calcium-activated channel subfamily M alpha 1; minus strand). Cytogenetic location: 10q22.3.
Variant type: single nucleotide variant.
Coding change: c.2323A>C on transcript NM_001161352.2 (MANE Select); coding-DNA position 2323, A replaced by C.
Protein change: p.Met775Leu; replaces methionine 775 with leucine.
Molecular consequence: missense variant.
Genome position (GRCh38, 1-based): chr10:76,970,011, T>G on the plus strand (A>C on the coding strand, the complement: KCNMA1 is on the minus strand). VCF-style: chr10-76970011-T-G. GRCh37 (hg19) VCF-style: chr10-78729769-T-G.
Other names: c.2161A>C, p.Met721Leu (NM_001014797.3, NM_001322835.2, NM_001322837.2); c.2149A>C, p.Met717Leu (NM_001161353.2, NM_001322832.2, NM_001410940.1 and 1 more transcripts); c.1999A>C, p.Met667Leu (NM_001271518.2); c.2158A>C, p.Met720Leu (NM_001271519.2, NM_001322829.2, NM_001322836.2); c.2170A>C, p.Met724Leu (NM_001322830.2); c.1696A>C, p.Met566Leu (NM_001322838.2); short protein forms M566L, M667L, M717L, M720L, M721L, M724L, M775L.
Identifiers: ClinVar variation 2630329 (VCV002630329.4), dbSNP rs201616813, ClinGen allele CA210085705.

ClinVar aggregate classification (germline): Uncertain significance. Review status: criteria provided, multiple submitters, no conflicts (2 of 4 stars). 2 submissions from 2 submitters: Uncertain significance (2). Last evaluated 2023-12-07.

Conditions:
Generalized epilepsy-paroxysmal dyskinesia syndrome (PNKD3). Also called: Paroxysmal nonkinesigenic dyskinesia, 3, with or without generalized epilepsy; Generalized epilepsy and paroxysmal dyskinesia. Identifiers: Orphanet 79137, MedGen C5574945, MONDO:0012276, OMIM 609446.
KCNMA1-related disorder. Also called: KCNMA1-related disorders; KCNMA1-related condition.

Allele frequency attached by ClinVar (database versions not stated): gnomAD 0.00001.
gnomAD v4.1: 9 of 1,613,824 alleles (0.00056%); highest among the groups gnomAD compares: Non-Finnish European, 0.00076%; no homozygotes.

Submissions (2):

Labcorp Genetics (formerly Invitae), Labcorp
Classification: Uncertain significance for Generalized epilepsy-paroxysmal dyskinesia syndrome. Last evaluated: 2023-12-07. Review status: criteria provided, single submitter. Criteria: Invitae Variant Classification Sherloc (09022015). Collection method: clinical testing. Allele origin: germline.
Comment: This sequence change replaces methionine, which is neutral and non-polar, with leucine, which is neutral and non-polar, at codon 717 of the KCNMA1 protein (p.Met717Leu). This variant is not present in population databases (gnomAD no frequency). This variant has not been reported in the literature in individuals affected with KCNMA1-related conditions. An algorithm developed to predict the effect of missense changes on protein structure and function (PolyPhen-2) suggests that this variant is likely to be tolerated. In summary, the available evidence is currently insufficient to determine the role of this variant in disease. Therefore, it has been classified as a Variant of Uncertain Significance.

PreventionGenetics, part of Exact Sciences
Classification: Uncertain significance for KCNMA1-related condition. Last evaluated: 2023-01-31. Review status: criteria provided, single submitter. Criteria: ACMG Guidelines, 2015. Collection method: clinical testing. Allele origin: germline.
Comment: The KCNMA1 c.2149A>C variant is predicted to result in the amino acid substitution p.Met717Leu. To our knowledge, this variant has not been reported in the literature or in a large population database, indicating this variant is rare. At this time, the clinical significance of this variant is uncertain due to the absence of conclusive functional and genetic evidence.